The following is an entry in ClinVar:

ClinVar aggregate classification (germline): Uncertain significance (1 of 4 stars; one submission).

Conditions:
Hereditary nonpolyposis colorectal neoplasms. Identifiers: MedGen C0009405, MeSH D003123.

Submission:

Labcorp Genetics (formerly Invitae), Labcorp
Classification: Uncertain significance for Hereditary nonpolyposis colorectal neoplasms. Last evaluated: 2023-10-04. Review status: criteria provided, single submitter. Criteria: Invitae Variant Classification Sherloc (09022015). Collection method: clinical testing. Allele origin: germline.
Comment: This sequence change replaces threonine, which is neutral and polar, with serine, which is neutral and polar, at codon 558 of the PMS2 protein (p.Thr558Ser). This variant is not present in population databases (gnomAD no frequency). This variant has not been reported in the literature in individuals affected with PMS2-related conditions. Advanced modeling of protein sequence and biophysical properties (such as structural, functional, and spatial information, amino acid conservation, physicochemical variation, residue mobility, and thermodynamic stability) performed at Invitae indicates that this missense variant is not expected to disrupt PMS2 protein function. In summary, the available evidence is currently insufficient to determine the role of this variant in disease. Therefore, it has been classified as a Variant of Uncertain Significance.

NM_000535.7(PMS2):c.1672A>T (p.Thr558Ser)

Gene: PMS2 (PMS1 homolog 2, mismatch repair system component; minus strand). Cytogenetic location: 7p22.1.
Variant type: single nucleotide variant.
Coding change: c.1672A>T on transcript NM_000535.7 (MANE Select); coding-DNA position 1672, A replaced by T.
Protein change: p.Thr558Ser; replaces threonine 558 with serine.
Molecular consequence: missense variant. On other transcripts: non-coding transcript variant (1), intron variant (1).
Genome position (GRCh38, 1-based): chr7:5,987,093, T>A on the plus strand (A>T on the coding strand, the complement: PMS2 is on the minus strand). VCF-style: chr7-5987093-T-A. GRCh37 (hg19) VCF-style: chr7-6026724-T-A.
Other names: c.1516A>T, p.Thr506Ser (NM_001406870.1, NM_001322006.2); c.1672A>T, p.Thr558Ser (NM_001406871.1, NM_001406872.1, NM_001322014.2); c.1474A>T, p.Thr492Ser (NM_001406873.1); c.1504A>T, p.Thr502Ser (NM_001406874.1); c.1363A>T, p.Thr455Ser (NM_001406875.1, NM_001406877.1, NM_001406878.1 and 5 more transcripts); c.1354A>T, p.Thr452Ser (NM_001406876.1, NM_001322007.2, NM_001322008.2 and 2 more transcripts); c.1267A>T, p.Thr423Ser (NM_001406889.1, NM_001406890.1, NM_001406891.1 and 17 more transcripts); c.1111A>T, p.Thr371Ser (NM_001322010.2, NM_001406906.1, NM_001406907.1); and 13 more; short protein forms T492S, T558S, T367S, T371S, T400S, T436S, T446S, T566S.
Identifiers: ClinVar variation 2765039 (VCV002765039.3), dbSNP rs781106967, ClinGen allele CA366741263.
Genomic context (GRCh38, chr7:5,987,093, plus strand): 5'-GCTTTGTGTTTGGGGTTGCGAGATTAGTTGGCTGAGGCAAAACTCGAAATTTACATCCGG[T>A]ATCTTCCTGGTTTGAATGGCAGTCCACATCTGAAAAAGAGTCGTCAGTTTTAGGCGCTTT-3'
Protein context (NP_000526.2, residues 548-568): DVDCHSNQED[Thr558Ser]GCKFRVLPQP